The following is an entry in ClinVar:

ClinVar aggregate classification (germline): Benign/Likely benign. Review status: criteria provided, multiple submitters, no conflicts (2 of 4 stars). 5 submissions from 5 submitters: Benign (3); Likely benign (2). Last evaluated 2026-02-10.

Allele frequency attached by ClinVar (database versions not stated): 1000 Genomes Project 30x 0.00031; gnomAD 0.00037 and 0.00042; 1000 Genomes Project 0.00040; ESP Exome Variant Server 0.00046; gnomAD exomes 0.00047 and 0.00071; TOPMed 0.00052; ExAC 0.00061.
gnomAD v4.1: 780 of 1,614,028 alleles (0.048%); highest among the groups gnomAD compares: South Asian, 0.13%; 2 homozygotes.

Submissions (5):

Women's Health and Genetics/Laboratory Corporation of America, LabCorp
Classification: Benign. Last evaluated: 2026-02-10. Review status: criteria provided, single submitter. Criteria: LabCorp Variant Classification Summary - May 2015. Collection method: clinical testing. Allele origin: germline.
Comment: Variant summary: FCHO1 c.494A>G (p.Glu165Gly) results in a non-conservative amino acid change located in the F-BAR domain (IPR031160) of the encoded protein sequence. Algorithms developed to predict the effect of missense changes on protein structure and function are either unavailable or do not agree on the potential impact of this missense change. The variant allele was found at a frequency of 0.00048 in 1607128 control chromosomes in the gnomAD database, including 2 homozygotes. The observed variant frequencies in multiple subpopulations exceed the estimated maximal expected allele frequency for disease-causing variants in FCHO1. To our knowledge, no occurrence of c.494A>G in individuals affected with FCHO1-related conditions and no experimental evidence demonstrating its impact on protein function have been reported. ClinVar contains an entry for this variant (Variation ID: 1164755). Based on the evidence outlined above, the variant was classified as benign.

Labcorp Genetics (formerly Invitae), Labcorp
Classification: Benign. Last evaluated: 2026-01-26. Review status: criteria provided, single submitter. Criteria: Invitae Variant Classification Sherloc (09022015). Collection method: clinical testing. Allele origin: germline.

CeGaT Center for Human Genetics Tuebingen
Classification: Likely benign. Last evaluated: 2025-07-01. Review status: criteria provided, single submitter. Criteria: CeGaT Center For Human Genetics Tuebingen Variant Classification Criteria Version 2. Collection method: clinical testing. Allele origin: germline. Affected: yes. Observed: 3 variant alleles.
Comment: FCHO1: BS2

Blueprint Genetics
Classification: Likely benign. Last evaluated: 2024-11-19. Review status: criteria provided, single submitter. Criteria: ACMG Guidelines, 2015. Collection method: clinical testing. Allele origin: germline.

Breakthrough Genomics
Classification: Benign. Review status: criteria provided, single submitter. Criteria: ACMG Guidelines, 2015. Collection method: not provided. Allele origin: germline. Inheritance: Autosomal recessive inheritance. Affected: yes.

NM_015122.3(FCHO1):c.494A>G (p.Glu165Gly)

Gene: FCHO1 (FCH and mu domain containing endocytic adaptor 1; plus strand). Cytogenetic location: 19p13.11.
Variant type: single nucleotide variant.
Coding change: c.494A>G on transcript NM_015122.3 (MANE Select); coding-DNA position 494, A replaced by G.
Protein change: p.Glu165Gly; replaces glutamic acid 165 with glycine.
Molecular consequence: missense variant. On other transcripts: non-coding transcript variant (36).
Genome position (GRCh38, 1-based): chr19:17,770,796, A>G. VCF-style: chr19-17770796-A-G. GRCh37 (hg19) VCF-style: chr19-17881605-A-G.
Other names: c.494A>G, p.Glu165Gly (NM_001161357.2, NM_001161358.2, NM_001384370.1 and 26 more transcripts); c.344A>G, p.Glu115Gly (NM_001161359.2, NM_001384384.1, NM_001384385.1 and 3 more transcripts); c.455A>G, p.Glu152Gly (NM_001384388.1, NM_001384389.1, NM_001384405.1); c.419A>G, p.Glu140Gly (NM_001384390.1); short protein forms E115G, E140G, E152G, E165G.
Identifiers: ClinVar variation 1164755 (VCV001164755.39), dbSNP rs148568413, ClinGen allele CA9300133.